The following is an entry in ClinVar:

NM_005188.4(CBL):c.1223G>C (p.Trp408Ser)

Gene: CBL (Cbl proto-oncogene; plus strand). Cytogenetic location: 11q23.3.
Variant type: single nucleotide variant.
Coding change: c.1223G>C on transcript NM_005188.4 (MANE Select); coding-DNA position 1223, G replaced by C.
Protein change: p.Trp408Ser; replaces tryptophan 408 with serine.
Molecular consequence: missense variant.
Genome position (GRCh38, 1-based): chr11:119,278,293, G>C. VCF-style: chr11-119278293-G-C. GRCh37 (hg19) VCF-style: chr11-119149003-G-C.
Other names: short protein forms W408S.
Identifiers: ClinVar variation 4700887 (VCV004700887.1).
Genomic context (GRCh38, chr11:119,278,293, plus strand): 5'-ATAAGGATGTAAAGATTGAGCCCTGTGGACACCTCATGTGCACATCCTGTCTTACATCCT[G>C]GCAGGTACGGATCTAAACAGCGACTTTTTTCAGCTATGTAATAACCTTGGAAAATTCGGT-3'
Protein context (NP_005179.2, residues 398-418): HLMCTSCLTS[Trp408Ser]QESEGQGCPF

ClinVar aggregate classification (germline): Uncertain significance (1 of 4 stars; one submission).

Conditions:
RASopathy. Also called: Noonan spectrum disorder; rasopathies. Identifiers: Orphanet 536391, MedGen C5555857, MONDO:0021060.

gnomAD v4.1: 1 of 1,613,898 alleles (0.000062%); highest among the groups gnomAD compares: Non-Finnish European, 0.000085%; no homozygotes.

Submission:

Labcorp Genetics (formerly Invitae), Labcorp
Classification: Uncertain significance for RASopathy. Last evaluated: 2025-04-06. Review status: criteria provided, single submitter. Criteria: Invitae Variant Classification Sherloc (09022015). Collection method: clinical testing. Allele origin: germline.
Comment: This sequence change replaces tryptophan, which is neutral and slightly polar, with serine, which is neutral and polar, at codon 408 of the CBL protein (p.Trp408Ser). This variant is not present in population databases (gnomAD no frequency). This variant has not been reported in the literature in individuals affected with CBL-related conditions. Invitae Evidence Modeling of protein sequence and biophysical properties (such as structural, functional, and spatial information, amino acid conservation, physicochemical variation, residue mobility, and thermodynamic stability) indicates that this missense variant is expected to disrupt CBL protein function with a positive predictive value of 95%. Experimental studies have shown that this missense change affects CBL function (PMID: 26676746). In summary, the available evidence is currently insufficient to determine the role of this variant in disease. Therefore, it has been classified as a Variant of Uncertain Significance.

Literature cited by the submitters: PubMed 26676746.